The following is an entry in ClinVar:

NM_001110556.2(FLNA):c.4112A>C (p.Asn1371Thr)

Gene: FLNA (filamin A; minus strand). Cytogenetic location: Xq28.
Variant type: single nucleotide variant.
Coding change: c.4112A>C on transcript NM_001110556.2 (MANE Select); coding-DNA position 4112, A replaced by C.
Protein change: p.Asn1371Thr; replaces asparagine 1371 with threonine.
Molecular consequence: missense variant.
Genome position (GRCh38, 1-based): chrX:154,359,514, T>G on the plus strand (A>C on the coding strand, the complement: FLNA is on the minus strand). VCF-style: chrX-154359514-T-G. GRCh37 (hg19) VCF-style: chrX-153587882-T-G.
Other names: c.4112A>C (NM_001110556.1); c.4112A>C, p.Asn1371Thr (NM_001456.4); short protein forms N1371T.
Identifiers: ClinVar variation 1909299 (VCV001909299.7), dbSNP rs782079908, ClinGen allele CA10560597.

ClinVar aggregate classification (germline): Conflicting classifications of pathogenicity. Review status: criteria provided, conflicting classifications (1 of 4 stars). 3 submissions from 3 submitters: Uncertain significance (2); Likely benign (1). Last evaluated 2025-12-08.

Conditions:
FLNA-related disorder.
Heterotopia, periventricular, X-linked dominant (PVNH1). Also called: PERIVENTRICULAR NODULAR HETEROTOPIA 4; HETEROTOPIA, PERIVENTRICULAR, 1; PERIVENTRICULAR NODULAR HETEROTOPIA 1; X-linked periventricular heterotopia. Identifiers: Orphanet 2149, Orphanet 82004, MedGen C1848213, MONDO:0010233, OMIM 300049.
Melnick-Needles syndrome (MNS). Also called: Melnick-Needles Syndrome (FLNA-MNS); MELNICK-NEEDLES OSTEODYSPLASTY; OSTEODYSPLASTY OF MELNICK AND NEEDLES. Identifiers: Orphanet 2484, MedGen C0025237, MONDO:0010650, OMIM 309350.
Frontometaphyseal dysplasia (FMD1). Identifiers: Orphanet 1826, MedGen C0265293, MONDO:0015942.
Oto-palato-digital syndrome, type II (OPD2). Also called: Otopalatodigital Syndrome Type 2 (FLNA-OPD2); FACIOPALATOOSSEOUS SYNDROME; OPD II SYNDROME; Otopalatodigital Syndrome, Type II. Identifiers: Orphanet 669, Orphanet 90652, MedGen C1844696, MONDO:0010571, OMIM 304120.

Allele frequency attached by ClinVar (database versions not stated): TOPMed below 0.00001; ExAC 0.00001.

Submissions (3):

Labcorp Genetics (formerly Invitae), Labcorp
Classification: Likely benign for Oto-palato-digital syndrome, type II; Heterotopia, periventricular, X-linked dominant; Frontometaphyseal dysplasia; Melnick-Needles syndrome. Last evaluated: 2025-12-08. Review status: criteria provided, single submitter. Criteria: Invitae Variant Classification Sherloc (09022015). Collection method: clinical testing. Allele origin: germline.

Women's Health and Genetics/Laboratory Corporation of America, LabCorp
Classification: Uncertain significance. Last evaluated: 2024-12-23. Review status: criteria provided, single submitter. Criteria: LabCorp Variant Classification Summary - May 2015. Collection method: clinical testing. Allele origin: germline.

PreventionGenetics, part of Exact Sciences
Classification: Uncertain significance for FLNA-related condition. Last evaluated: 2023-09-25. Review status: criteria provided, single submitter. Criteria: ACMG Guidelines, 2015. Collection method: clinical testing. Allele origin: germline.
Comment: The FLNA c.4112A>C variant is predicted to result in the amino acid substitution p.Asn1371Thr. To our knowledge, this variant has not been reported in the literature. This variant is reported in 0.0012% of alleles in individuals of European (Non-Finnish) descent in gnomAD. At this time, the clinical significance of this variant is uncertain due to the absence of conclusive functional and genetic evidence.